The following is an entry in ClinVar:

ClinVar aggregate classification (germline): Benign. Review status: criteria provided, multiple submitters, no conflicts (2 of 4 stars). 2 submissions from 2 submitters: Benign (2). Last evaluated 2018-01-13.

Conditions:
Melanoma, cutaneous malignant, susceptibility to, 5. Also called: Cutaneous malignant melanoma 5. Identifiers: Orphanet 618, MedGen C2751295, MONDO:0013133, OMIM 613099.

Allele frequency attached by ClinVar (database versions not stated): gnomAD exomes 0.42431; gnomAD 0.45013 and 0.44378; 1000 Genomes Project 30x 0.55965; 1000 Genomes Project 0.56050; TOPMed 0.46038.

Submissions (2):

Illumina Laboratory Services, Illumina
Classification: Benign for Melanoma, cutaneous malignant, susceptibility to, 5. Last evaluated: 2018-01-13. Review status: criteria provided, single submitter. Criteria: ICSL Variant Classification Criteria 13 December 2019. Collection method: clinical testing. Allele origin: germline.
Comment: This variant was observed in the ICSL laboratory as part of a predisposition screen in an ostensibly healthy population. It had not been previously curated by ICSL or reported in the Human Gene Mutation Database (HGMD: prior to June 1st, 2018), and was therefore a candidate for classification through an automated scoring system. Utilizing variant allele frequency, disease prevalence and penetrance estimates, and inheritance mode, an automated score was calculated to assess if this variant is too frequent to cause the disease. Based on the score and internal cut-off values, a variant classified as benign is not then subjected to further curation. The score for this variant resulted in a classification of benign for this disease.

Breakthrough Genomics
Classification: Benign. Review status: criteria provided, single submitter. Criteria: ACMG Guidelines, 2015. Collection method: not provided. Allele origin: germline. Inheritance: Autosomal recessive inheritance. Affected: yes.

NM_002386.3(MC1R):c.-490C>T

Gene: MC1R (melanocortin 1 receptor; plus strand). Cytogenetic location: 16q24.3.
Variant type: single nucleotide variant.
Coding change: c.-490C>T on transcript NM_002386.3; 490 bases upstream of the start codon, C replaced by T.
Genome position (GRCh38, 1-based): chr16:89,918,769, C>T. VCF-style: chr16-89918769-C-T. GRCh37 (hg19) VCF-style: chr16-89985177-C-T.
Identifiers: ClinVar variation 321402 (VCV000321402.8), dbSNP rs3212359, ClinGen allele CA10649343.